The following is an entry in ClinVar:

ClinVar aggregate classification (germline): Uncertain significance (1 of 4 stars; one submission).

Allele frequency attached by ClinVar (database versions not stated): gnomAD exomes 0.00074; 1000 Genomes Project 30x 0.00094; 1000 Genomes Project 0.00100; ExAC 0.00169; TOPMed 0.00037; ESP Exome Variant Server 0.00039; gnomAD 0.00057.
gnomAD v4.1: 1,065 of 1,481,090 alleles (0.072%); highest among the groups gnomAD compares: South Asian, 0.7%; 8 homozygotes.

Submission:

Ambry Genetics
Classification: Uncertain significance. Last evaluated: 2025-04-05. Review status: criteria provided, single submitter. Criteria: Ambry Variant Classification Scheme 2023. Collection method: clinical testing. Allele origin: germline.
Comment: The p.P89S variant (also known as c.265C>T), located in coding exon 3 of the PKP4 gene, results from a C to T substitution at nucleotide position 265. The proline at codon 89 is replaced by serine, an amino acid with similar properties. This amino acid position is conserved. In addition, the in silico prediction for this alteration is inconclusive. Since supporting evidence is limited at this time, the clinical significance of this alteration remains unclear.

NM_003628.6(PKP4):c.265C>T (p.Pro89Ser)

Gene: PKP4 (plakophilin 4; plus strand). Cytogenetic location: 2q24.1.
Variant type: single nucleotide variant.
Coding change: c.265C>T on transcript NM_003628.6 (MANE Select); coding-DNA position 265, C replaced by T.
Protein change: p.Pro89Ser; replaces proline 89 with serine.
Molecular consequence: missense variant. On other transcripts: 5 prime UTR variant (1).
Genome position (GRCh38, 1-based): chr2:158,603,089, C>T. VCF-style: chr2-158603089-C-T. GRCh37 (hg19) VCF-style: chr2-159459601-C-T.
Other names: c.265C>T, p.Pro89Ser (NM_001005476.4, NM_001304969.3, NM_001304971.2 and 9 more transcripts); c.-685C>T (NM_001304970.3); short protein forms P89S.
Identifiers: ClinVar variation 2488913 (VCV002488913.3), dbSNP rs141436976, ClinGen allele CA1920352.